The following is an entry in ClinVar:

ClinVar aggregate classification (germline): Uncertain significance (1 of 4 stars; one submission).

Conditions:
Propionic acidemia (PROP). Also called: HYPERGLYCINEMIA WITH KETOACIDOSIS AND LEUKOPENIA; KETOTIC HYPERGLYCINEMIA; GLYCINEMIA, KETOTIC. Identifiers: Orphanet 35, MedGen C0268579, MONDO:0011628, OMIM 606054, HP:0003571.

Submission:

Labcorp Genetics (formerly Invitae), Labcorp
Classification: Uncertain significance for Propionic acidemia. Last evaluated: 2021-05-27. Review status: criteria provided, single submitter. Criteria: Invitae Variant Classification Sherloc (09022015). Collection method: clinical testing. Allele origin: germline.
Comment: In summary, the available evidence is currently insufficient to determine the role of this variant in disease. Therefore, it has been classified as a Variant of Uncertain Significance. Advanced modeling of protein sequence and biophysical properties (such as structural, functional, and spatial information, amino acid conservation, physicochemical variation, residue mobility, and thermodynamic stability) performed at Invitae indicates that this missense variant is not expected to disrupt PCCA protein function. This variant has not been reported in the literature in individuals with PCCA-related conditions. The frequency data for this variant in the population databases is considered unreliable, as metrics indicate insufficient coverage at this position in the ExAC database. This sequence change replaces glycine with arginine at codon 18 of the PCCA protein (p.Gly18Arg). The glycine residue is weakly conserved and there is a moderate physicochemical difference between glycine and arginine.

NM_000282.4(PCCA):c.52G>C (p.Gly18Arg)

Gene: PCCA (propionyl-CoA carboxylase subunit alpha; plus strand). Cytogenetic location: 13q32.3.
Variant type: single nucleotide variant.
Coding change: c.52G>C on transcript NM_000282.4 (MANE Select); coding-DNA position 52, G replaced by C.
Protein change: p.Gly18Arg; replaces glycine 18 with arginine.
Molecular consequence: missense variant. On other transcripts: 5 prime UTR variant (3), non-coding transcript variant (5).
Genome position (GRCh38, 1-based): chr13:100,089,172, G>C. VCF-style: chr13-100089172-G-C. GRCh37 (hg19) VCF-style: chr13-100741426-G-C.
Other names: c.52G>C, p.Gly18Arg (NM_001127692.3, NM_001178004.2, NM_001352605.2 and 4 more transcripts); c.-815G>C (NM_001352610.2, NM_001352611.2, NM_001352612.2); short protein forms G18R.
Identifiers: ClinVar variation 1356660 (VCV001356660.8), dbSNP rs779286461, ClinGen allele CA388692673.